The following is an entry in ClinVar:

ClinVar aggregate classification (germline): Uncertain significance (0 of 4 stars; one submission).

Conditions:
SEMA3D-related disorder. Also called: SEMA3D-related condition.

gnomAD v4.1: 4 of 1,611,170 alleles (0.00025%); highest among the groups gnomAD compares: Non-Finnish European, 0.00034%; no homozygotes.

Submission:

PreventionGenetics, part of Exact Sciences
Classification: Uncertain significance for SEMA3D-related condition. Last evaluated: 2024-09-28. Review status: no assertion criteria provided. Collection method: clinical testing. Allele origin: germline.
Comment: The SEMA3D c.1681C>T variant is predicted to result in premature protein termination (p.Arg561*). To our knowledge, this variant has not been reported in the literature or in a large population database, indicating this variant is rare. SEMA3D premature termination variants are relatively common in the gnomAD general population database, and variants of this type are not an established mechanism of disease. At this time, the clinical significance of this variant is uncertain due to the absence of conclusive functional and genetic evidence.

NM_001384900.1(SEMA3D):c.1681C>T (p.Arg561Ter)

Gene: SEMA3D (semaphorin 3D; minus strand). Cytogenetic location: 7q21.11.
Variant type: single nucleotide variant.
Coding change: c.1681C>T on transcript NM_001384900.1 (MANE Select); coding-DNA position 1681, C replaced by T.
Protein change: p.Arg561Ter; replaces arginine 561 with a stop codon.
Molecular consequence: nonsense.
Genome position (GRCh38, 1-based): chr7:85,015,081, G>A on the plus strand (C>T on the coding strand, the complement: SEMA3D is on the minus strand). VCF-style: chr7-85015081-G-A. GRCh37 (hg19) VCF-style: chr7-84644397-G-A.
Other names: c.1681C>T, p.Arg561Ter (NM_001384901.1, NM_001384902.1, NM_001384903.1 and 1 more transcripts); short protein forms R561*.
Identifiers: ClinVar variation 3347634 (VCV003347634.1).
Genomic context (GRCh38, chr7:85,015,081, plus strand): 5'-GAAAGGAAGCCTTTATATTAACTCCATGTGCCTCTTACCTTTTAGAAGTAGGAGCATATC[G>A]AGAGCATGCATTTCCATCCCAGGCACAGTAGGGGTCTCTGGCAAGACAACAGTCTGCGCA-3'